The following is an entry in ClinVar:

NM_004360.5(CDH1):c.255C>A (p.Val85=)

Gene: CDH1 (cadherin 1; plus strand). Cytogenetic location: 16q22.1.
Variant type: single nucleotide variant.
Coding change: c.255C>A on transcript NM_004360.5 (MANE Select); coding-DNA position 255, C replaced by A.
Protein change: p.Val85=; no amino-acid change (valine 85 retained).
Molecular consequence: synonymous variant. On other transcripts: 5 prime UTR variant (2).
Genome position (GRCh38, 1-based): chr16:68,801,761, C>A. VCF-style: chr16-68801761-C-A. GRCh37 (hg19) VCF-style: chr16-68835664-C-A.
Other names: c.255C>A, p.Val85= (NM_001317184.2); c.-1361C>A (NM_001317185.2); c.-1565C>A (NM_001317186.2).
Identifiers: ClinVar variation 1143791 (VCV001143791.19), dbSNP rs755461028, ClinGen allele CA8129817.

ClinVar aggregate classification (germline): Benign/Likely benign. Review status: criteria provided, multiple submitters, no conflicts (2 of 4 stars). 5 submissions from 5 submitters: Benign (1); Likely benign (4). Last evaluated 2025-07-31.

Conditions:
Hereditary cancer-predisposing syndrome. Also called: Hereditary neoplastic syndrome; Tumor predisposition; Neoplastic Syndromes, Hereditary; Hereditary Cancer Syndrome. Identifiers: Orphanet 140162, MedGen C0027672, MeSH D009386, MONDO:0015356.
Hereditary diffuse gastric adenocarcinoma (HDGC). Also called: DIFFUSE GASTRIC AND LOBULAR BREAST CANCER SYNDROME. Identifiers: Orphanet 26106, MedGen C1708349, MONDO:0007648, OMIM 137215.

Allele frequency attached by ClinVar (database versions not stated): gnomAD exomes below 0.00001; TOPMed below 0.00001; ExAC 0.00001.
gnomAD v4.1: 6 of 1,614,138 alleles (0.00037%); highest among the groups gnomAD compares: Non-Finnish European, 0.00051%; no homozygotes.

Submissions (5):

Labcorp Genetics (formerly Invitae), Labcorp
Classification: Likely benign for Hereditary diffuse gastric adenocarcinoma. Last evaluated: 2025-07-31. Review status: criteria provided, single submitter. Criteria: Invitae Variant Classification Sherloc (09022015). Collection method: clinical testing. Allele origin: germline.

Center for Genomic Medicine, Rigshospitalet, Copenhagen University Hospital
Classification: Likely benign. Last evaluated: 2025-03-04. Review status: criteria provided, single submitter. Criteria: ACMG Guidelines, 2015. Collection method: clinical testing. Allele origin: germline.

Myriad Genetics, Inc.
Classification: Benign for Hereditary diffuse gastric adenocarcinoma. Last evaluated: 2024-09-12. Review status: criteria provided, single submitter. Criteria: Myriad Autosomal Dominant, Autosomal Recessive and X-Linked Classification Criteria (2023). Collection method: clinical testing. Allele origin: unknown.
Comment: This variant is considered benign. This variant is a silent/synonymous amino acid change and it is not expected to impact splicing.

Color Diagnostics, LLC DBA Color Health
Classification: Likely benign for Hereditary cancer-predisposing syndrome. Last evaluated: 2020-11-16. Review status: criteria provided, single submitter. Criteria: ACMG Guidelines, 2015. Collection method: clinical testing. Allele origin: germline.

Ambry Genetics
Classification: Likely benign for Hereditary cancer-predisposing syndrome. Last evaluated: 2020-04-01. Review status: criteria provided, single submitter. Criteria: Ambry Variant Classification Scheme 2023. Collection method: clinical testing. Allele origin: germline.